The following is an entry in ClinVar:

NM_145290.4(ADGRA3):c.1374G>A (p.Met458Ile)

Gene: ADGRA3 (adhesion G protein-coupled receptor A3; minus strand). Cytogenetic location: 4p15.2.
Variant type: single nucleotide variant.
Coding change: c.1374G>A on transcript NM_145290.4 (MANE Select); coding-DNA position 1374, G replaced by A.
Protein change: p.Met458Ile; replaces methionine 458 with isoleucine.
Molecular consequence: missense variant.
Genome position (GRCh38, 1-based): chr4:22,435,380, C>T on the plus strand (G>A on the coding strand, the complement: ADGRA3 is on the minus strand). VCF-style: chr4-22435380-C-T. GRCh37 (hg19) VCF-style: chr4-22437003-C-T.
Other names: short protein forms M458I.
Identifiers: ClinVar variation 1984923 (VCV001984923.4), dbSNP rs764369233, ClinGen allele CA2873976.

ClinVar aggregate classification (germline): Uncertain significance (1 of 4 stars; one submission).

Allele frequency attached by ClinVar (database versions not stated): gnomAD 0.00001; gnomAD exomes 0.00001; TOPMed 0.00001; ExAC 0.00003.
gnomAD v4.1: 4 of 1,613,338 alleles (0.00025%); highest among the groups gnomAD compares: East Asian, 0.0067%; no homozygotes.

Submission:

Labcorp Genetics (formerly Invitae), Labcorp
Classification: Uncertain significance. Last evaluated: 2022-08-16. Review status: criteria provided, single submitter. Criteria: Invitae Variant Classification Sherloc (09022015). Collection method: clinical testing. Allele origin: germline.
Comment: In summary, the available evidence is currently insufficient to determine the role of this variant in disease. Therefore, it has been classified as a Variant of Uncertain Significance. Algorithms developed to predict the effect of sequence changes on RNA splicing suggest that this variant may create or strengthen a splice site. Algorithms developed to predict the effect of missense changes on protein structure and function are either unavailable or do not agree on the potential impact of this missense change (SIFT: "Deleterious"; PolyPhen-2: "Benign"; Align-GVGD: "Class C0"). This variant has not been reported in the literature in individuals affected with ADGRA3-related conditions. This variant is present in population databases (rs764369233, gnomAD 0.02%). This sequence change replaces methionine, which is neutral and non-polar, with isoleucine, which is neutral and non-polar, at codon 458 of the ADGRA3 protein (p.Met458Ile).